The following is an entry in ClinVar:

NM_001376.5(DYNC1H1):c.1192A>G (p.Thr398Ala)

Gene: DYNC1H1 (dynein cytoplasmic 1 heavy chain 1; plus strand). Cytogenetic location: 14q32.31.
Variant type: single nucleotide variant.
Coding change: c.1192A>G on transcript NM_001376.5 (MANE Select); coding-DNA position 1192, A replaced by G.
Protein change: p.Thr398Ala; replaces threonine 398 with alanine.
Molecular consequence: missense variant.
Genome position (GRCh38, 1-based): chr14:101,983,249, A>G. VCF-style: chr14-101983249-A-G. GRCh37 (hg19) VCF-style: chr14-102449586-A-G.
Other names: c.1192A>G (NM_001376.4); short protein forms T398A.
Identifiers: ClinVar variation 1424666 (VCV001424666.8), dbSNP rs1314946037, ClinGen allele CA391013969.

ClinVar aggregate classification (germline): Uncertain significance. Review status: criteria provided, multiple submitters, no conflicts (2 of 4 stars). 3 submissions from 3 submitters: Uncertain significance (2). 1 of the submissions does not count toward it. Last evaluated 2025-05-13.

Conditions:
Charcot-Marie-Tooth disease axonal type 2O. Also called: Charcot-Marie-Tooth disease, axonal, type 20; CHARCOT-MARIE-TOOTH NEUROPATHY, AXONAL, TYPE 2O; CHARCOT-MARIE-TOOTH DISEASE, AXONAL, AUTOSOMAL DOMINANT, TYPE 2O; Charcot-Marie-Tooth Neuropathy Type 2O. Identifiers: Orphanet 284232, MedGen C3280220, MONDO:0013644, OMIM 614228.
Autosomal dominant childhood-onset proximal spinal muscular atrophy without contractures. Also called: KUGELBERG-WELANDER SYNDROME, AUTOSOMAL DOMINANT; SPINAL MUSCULAR ATROPHY, JUVENILE, PROXIMAL, AUTOSOMAL DOMINANT; Spinal muscular atrophy, lower extremity-predominant 1, AD; SPINAL MUSCULAR ATROPHY, CHILDHOOD, PROXIMAL, AUTOSOMAL DOMINANT. Identifiers: Orphanet 209341, Orphanet 363447, MedGen C5780022, MONDO:0008026, OMIM 158600.
Cortical dysplasia, complex, with other brain malformations 13. Also called: Intellectual disability, autosomal dominant 13. Identifiers: MedGen C3281202, MONDO:0013805, OMIM 614563.
DYNC1H1-related disorder. Also called: DYNC1H1-related condition; DYNC1H1-related disorders. Identifiers: MedGen CN381529.

Submissions (3):

Labcorp Genetics (formerly Invitae), Labcorp
Classification: Uncertain significance for Charcot-Marie-Tooth disease axonal type 2O. Last evaluated: 2025-05-13. Review status: criteria provided, single submitter. Criteria: Invitae Variant Classification Sherloc (09022015). Collection method: clinical testing. Allele origin: germline.
Comment: This sequence change replaces threonine, which is neutral and polar, with alanine, which is neutral and non-polar, at codon 398 of the DYNC1H1 protein (p.Thr398Ala). This variant is not present in population databases (gnomAD no frequency). This variant has not been reported in the literature in individuals affected with DYNC1H1-related conditions. ClinVar contains an entry for this variant (Variation ID: 1424666). Invitae Evidence Modeling of protein sequence and biophysical properties (such as structural, functional, and spatial information, amino acid conservation, physicochemical variation, residue mobility, and thermodynamic stability) has been performed for this missense variant. However, the output from this modeling did not meet the statistical confidence thresholds required to predict the impact of this variant on DYNC1H1 protein function. In summary, the available evidence is currently insufficient to determine the role of this variant in disease. Therefore, it has been classified as a Variant of Uncertain Significance.

Fulgent Genetics
Classification: Uncertain significance for Autosomal dominant childhood-onset proximal spinal muscular atrophy without contractures; Charcot-Marie-Tooth disease axonal type 2O; Cortical dysplasia, complex, with other brain malformations 13. Last evaluated: 2024-04-25. Review status: criteria provided, single submitter. Criteria: ACMG Guidelines, 2015. Collection method: clinical testing. Allele origin: germline.

PreventionGenetics, part of Exact Sciences
Classification: Uncertain significance for DYNC1H1-related condition. Last evaluated: 2024-08-16. Review status: no assertion criteria provided. Collection method: clinical testing. Allele origin: germline. Not counted in ClinVar's aggregate classification.
Comment: The DYNC1H1 c.1192A>G variant is predicted to result in the amino acid substitution p.Thr398Ala. To our knowledge, this variant has not been reported in the literature or in a large population database, indicating this variant is rare. At this time, the clinical significance of this variant is uncertain due to the absence of conclusive functional and genetic evidence.